The following is an entry in ClinVar:

NM_003200.5(TCF3):c.1034C>G (p.Ser345Ter)

Gene: TCF3 (transcription factor 3; minus strand). Cytogenetic location: 19p13.3.
Variant type: single nucleotide variant.
Coding change: c.1034C>G on transcript NM_003200.5 (MANE Select); coding-DNA position 1034, C replaced by G.
Protein change: p.Ser345Ter; replaces serine 345 with a stop codon.
Molecular consequence: nonsense.
Genome position (GRCh38, 1-based): chr19:1,621,027, G>C on the plus strand (C>G on the coding strand, the complement: TCF3 is on the minus strand). VCF-style: chr19-1621027-G-C. GRCh37 (hg19) VCF-style: chr19-1621026-G-C.
Other names: c.1034C>G, p.Ser345Ter (NM_001136139.4, NM_001351778.2, NM_001351779.2); short protein forms S345*.
Identifiers: ClinVar variation 4880127 (VCV004880127.1).

ClinVar aggregate classification (germline): Likely pathogenic (1 of 4 stars; one submission).

Conditions:
Primary ciliary dyskinesia. Also called: Ciliary dyskinesia. Identifiers: Orphanet 244, MedGen C0008780, MONDO:0016575, HP:0012265.

Submission:

Department of Human Genetics, Hannover Medical School
Classification: Likely pathogenic for Primary Ciliary Dyskinesia. Last evaluated: 2026-04-01. Review status: criteria provided, single submitter. Criteria: ACMG Guidelines, 2015. Collection method: research. Allele origin: germline. Affected: no.
Comment: Classification performed by HerediClassify using the following criteria:['PM2_supporting: Variant occures does not occur as homozygous in gnomAD.', 'PVS1_protein_very_strong: Transcript ENST00000262965 is predicted to undergo NMD.']